The following is an entry in ClinVar:

NM_024642.5(GALNT12):c.732-8G>T

Gene: GALNT12 (polypeptide N-acetylgalactosaminyltransferase 12; plus strand). Cytogenetic location: 9q22.33.
Variant type: single nucleotide variant.
Coding change: c.732-8G>T on transcript NM_024642.5 (MANE Select); 8 bases into the intron before coding-DNA position 732, G replaced by T.
Molecular consequence: intron variant.
Genome position (GRCh38, 1-based): chr9:98,831,764, G>T. VCF-style: chr9-98831764-G-T. GRCh37 (hg19) VCF-style: chr9-101594046-G-T.
Identifiers: ClinVar variation 697591 (VCV000697591.9), dbSNP rs763682300, ClinGen allele CA5154046.

ClinVar aggregate classification (germline): Likely benign. Review status: criteria provided, multiple submitters, no conflicts (2 of 4 stars). 2 submissions from 2 submitters: Likely benign (2). Last evaluated 2026-04-21.

Conditions:
Colorectal cancer, susceptibility to, 1. Also called: COLORECTAL ADENOMA AND CANCER, SUSCEPTIBILITY TO; COLORECTAL CANCER, SUSCEPTIBILITY TO, ON CHROMOSOME 9. Identifiers: MedGen C1837315, MONDO:0012132, OMIM 608812.

Allele frequency attached by ClinVar (database versions not stated): TOPMed below 0.00001; ExAC 0.00001; gnomAD exomes below 0.00001; gnomAD 0.00001.
gnomAD v4.1: 8 of 1,614,070 alleles (0.0005%); highest among the groups gnomAD compares: Non-Finnish European, 0.00068%; no homozygotes.

Submissions (2):

Myriad Genetics, Inc.
Classification: Likely benign for Colorectal cancer, susceptibility to, 1. Last evaluated: 2026-04-21. Review status: criteria provided, single submitter. Criteria: Myriad Autosomal Dominant, Autosomal Recessive and X-Linked Classification Criteria (2023). Collection method: clinical testing. Allele origin: unknown.
Comment: This variant is considered likely benign. This variant is intronic and is not expected to impact mRNA splicing.

Labcorp Genetics (formerly Invitae), Labcorp
Classification: Likely benign. Last evaluated: 2025-03-31. Review status: criteria provided, single submitter. Criteria: Invitae Variant Classification Sherloc (09022015). Collection method: clinical testing. Allele origin: germline.